The following is an entry in ClinVar:

ClinVar aggregate classification (germline): Likely benign. Review status: criteria provided, single submitter (1 of 4 stars). 2 submissions from 2 submitters: Likely benign (1). 1 of the submissions does not count toward it. Last evaluated 2025-12-22.

Conditions:
DLX6-related disorder. Also called: DLX6-related condition.

Submissions (2):

Labcorp Genetics (formerly Invitae), Labcorp
Classification: Likely benign. Last evaluated: 2025-12-22. Review status: criteria provided, single submitter. Criteria: Invitae Variant Classification Sherloc (09022015). Collection method: clinical testing. Allele origin: germline.

PreventionGenetics, part of Exact Sciences
Classification: Likely benign for DLX6-related condition. Last evaluated: 2023-04-09. Review status: no assertion criteria provided. Collection method: clinical testing. Allele origin: germline. Not counted in ClinVar's aggregate classification.
Comment: This variant is classified as likely benign based on ACMG/AMP sequence variant interpretation guidelines (Richards et al. 2015 PMID: 25741868, with internal and published modifications).

NM_005222.4(DLX6):c.228GGC[6] (p.Ala83_Gly84insAla)

Genes: DLX6 (distal-less homeobox 6; plus strand), DLX6-AS1 (DLX6 antisense RNA 1; minus strand). Cytogenetic location: 7q21.3.
Variant type: Microsatellite.
Coding change: c.228GGC[6] on transcript NM_005222.4 (MANE Select); six copies in a row of the 3-base unit GGC starting at c.228; the reference has five copies in a row; one copy, 3 bases duplicated.
Protein change: p.Ala83_Gly84insAla.
Molecular consequence: inframe insertion.
Genome position (GRCh38, 1-based): chr7:97,006,217-97,006,219, GGC duplicated; duplicating any 3 consecutive bases within chr7:97,006,204-97,006,219 gives the same sequence; the position shown is the placement nearest the transcript's 3' end. VCF-style (leftmost placement, unchanged base first): chr7-97006203-T-TCGG. GRCh37 (hg19) VCF-style: chr7-96635515-T-TCGG.
Other names: c.240_242dupGGC (NM_005222.3).
Identifiers: ClinVar variation 2064954 (VCV002064954.6), dbSNP rs753286015, ClinGen allele CA4353747.